The following is an entry in ClinVar:

ClinVar aggregate classification (germline): Likely benign (1 of 4 stars; one submission).

Allele frequency attached by ClinVar (database versions not stated): ESP Exome Variant Server 0.00047; gnomAD 0.00056; ExAC 0.00068; TOPMed 0.00068.
gnomAD v4.1: 877 of 1,612,374 alleles (0.054%); highest among the groups gnomAD compares: Middle Eastern, 0.099%; 3 homozygotes.

Submission:

CeGaT Center for Human Genetics Tuebingen
Classification: Likely benign. Last evaluated: 2023-04-01. Review status: criteria provided, single submitter. Criteria: CeGaT Center For Human Genetics Tuebingen Variant Classification Criteria Version 2. Collection method: clinical testing. Allele origin: germline. Affected: yes. Observed: 2 variant alleles.
Comment: MUC5B: BP4, BP7

NM_002458.3(MUC5B):c.14505G>A (p.Thr4835=)

Gene: MUC5B (mucin 5B, oligomeric mucus/gel-forming; plus strand). Cytogenetic location: 11p15.5.
Variant type: single nucleotide variant.
Coding change: c.14505G>A on transcript NM_002458.3 (MANE Select); coding-DNA position 14505, G replaced by A.
Protein change: p.Thr4835=; no amino-acid change (threonine 4835 retained).
Molecular consequence: synonymous variant.
Genome position (GRCh38, 1-based): chr11:1,251,385, G>A. VCF-style: chr11-1251385-G-A. GRCh37 (hg19) VCF-style: chr11-1272615-G-A.
Identifiers: ClinVar variation 2641309 (VCV002641309.24), dbSNP rs201832207, ClinGen allele CA5808703.